The following is an entry in ClinVar:

NM_003105.6(SORL1):c.1247G>T (p.Arg416Leu)

Gene: SORL1 (sortilin related receptor 1; plus strand). Cytogenetic location: 11q24.1.
Variant type: single nucleotide variant.
Coding change: c.1247G>T on transcript NM_003105.6 (MANE Select); coding-DNA position 1247, G replaced by T.
Protein change: p.Arg416Leu; replaces arginine 416 with leucine.
Molecular consequence: missense variant.
Genome position (GRCh38, 1-based): chr11:121,520,692, G>T. VCF-style: chr11-121520692-G-T. GRCh37 (hg19) VCF-style: chr11-121391401-G-T.
Other names: short protein forms R416L.
Identifiers: ClinVar variation 1345399 (VCV001345399.8), dbSNP rs377550239, ClinGen allele CA6328585.

ClinVar aggregate classification (germline): Uncertain significance (1 of 4 stars; one submission).

Allele frequency attached by ClinVar (database versions not stated): ESP Exome Variant Server 0.00008.
gnomAD v4.1: 12 of 1,589,098 alleles (0.00076%); highest among the groups gnomAD compares: Non-Finnish European, 0.001%; no homozygotes.

Submission:

Labcorp Genetics (formerly Invitae), Labcorp
Classification: Uncertain significance. Last evaluated: 2021-03-23. Review status: criteria provided, single submitter. Criteria: Invitae Variant Classification Sherloc (09022015). Collection method: clinical testing. Allele origin: germline.
Comment: This variant is present in population databases (rs377550239, ExAC 0.002%). In summary, the available evidence is currently insufficient to determine the role of this variant in disease. Therefore, it has been classified as a Variant of Uncertain Significance. Algorithms developed to predict the effect of missense changes on protein structure and function are either unavailable or do not agree on the potential impact of this missense change (SIFT: "Deleterious"; PolyPhen-2: "Probably Damaging"; Align-GVGD: "Class C0"). This variant has not been reported in the literature in individuals with SORL1-related conditions. This sequence change replaces arginine with leucine at codon 416 of the SORL1 protein (p.Arg416Leu). The arginine residue is highly conserved and there is a moderate physicochemical difference between arginine and leucine.